The following is an entry in ClinVar:

NM_080680.3(COL11A2):c.1536G>C (p.Glu512Asp)

Gene: COL11A2 (collagen type XI alpha 2 chain; minus strand). Cytogenetic location: 6p21.32.
Variant type: single nucleotide variant.
Coding change: c.1536G>C on transcript NM_080680.3 (MANE Select); coding-DNA position 1536, G replaced by C.
Protein change: p.Glu512Asp; replaces glutamic acid 512 with aspartic acid.
Molecular consequence: missense variant.
Genome position (GRCh38, 1-based): chr6:33,179,252, C>G on the plus strand (G>C on the coding strand, the complement: COL11A2 is on the minus strand). VCF-style: chr6-33179252-C-G. GRCh37 (hg19) VCF-style: chr6-33147029-C-G.
Other names: c.1215G>C, p.Glu405Asp (NM_080679.3); c.1278G>C, p.Glu426Asp (NM_080681.3); short protein forms E405D, E426D, E512D.
Identifiers: ClinVar variation 2500669 (VCV002500669.1), dbSNP rs2535245264, ClinGen allele CA363605712.
Genomic context (GRCh38, chr6:33,179,252, plus strand): 5'-GTGAACAGATATGGGGGTGCAGTGGAGGAAAGTGGTCACCTGAGGTCCTAAGTCTCCAGA[C>G]TCTCCTTTCAGGCCAGGGCTCCCAGGTTGGCCCTGGGAGAGAGAAGAGAGGATGGCCGTA-3'
Protein context (NP_542411.2, residues 502-522): GQPGSPGLKG[Glu512Asp]SGDLGPQGPR

ClinVar aggregate classification (germline): Uncertain significance (1 of 4 stars; one submission).

Submission:

GeneDx
Classification: Uncertain significance. Last evaluated: 2023-04-24. Review status: criteria provided, single submitter. Criteria: GeneDx Variant Classification Process June 2021. Collection method: clinical testing. Allele origin: germline. Affected: yes.
Comment: Not observed at significant frequency in large population cohorts (gnomAD); In silico analysis supports that this missense variant does not alter protein structure/function; Has not been previously published as pathogenic or benign to our knowledge